The following is an entry in ClinVar:

ClinVar aggregate classification (germline): Uncertain significance. Review status: criteria provided, multiple submitters, no conflicts (2 of 4 stars). 3 submissions from 3 submitters: Uncertain significance (3). Last evaluated 2025-08-18.

Allele frequency attached by ClinVar (database versions not stated): gnomAD exomes below 0.00001 and 0.00001; ExAC 0.00001; gnomAD 0.00001; TOPMed 0.00002; ESP Exome Variant Server 0.00008.
gnomAD v4.1: 24 of 1,613,798 alleles (0.0015%); highest among the groups gnomAD compares: Non-Finnish European, 0.0017%; no homozygotes.

Submissions (3):

Labcorp Genetics (formerly Invitae), Labcorp
Classification: Uncertain significance. Last evaluated: 2025-08-18. Review status: criteria provided, single submitter. Criteria: Invitae Variant Classification Sherloc (09022015). Collection method: clinical testing. Allele origin: germline.
Comment: This sequence change replaces glycine, which is neutral and non-polar, with glutamic acid, which is acidic and polar, at codon 135 of the TWNK protein (p.Gly135Glu). This variant is present in population databases (rs375005531, gnomAD 0.002%). This variant has not been reported in the literature in individuals affected with TWNK-related conditions. ClinVar contains an entry for this variant (Variation ID: 806558). Invitae Evidence Modeling of protein sequence and biophysical properties (such as structural, functional, and spatial information, amino acid conservation, physicochemical variation, residue mobility, and thermodynamic stability) indicates that this missense variant is not expected to disrupt TWNK protein function with a negative predictive value of 95%. In summary, the available evidence is currently insufficient to determine the role of this variant in disease. Therefore, it has been classified as a Variant of Uncertain Significance.

Mayo Clinic Laboratories, Mayo Clinic
Classification: Uncertain significance. Last evaluated: 2025-08-15. Review status: criteria provided, single submitter. Criteria: ACMG Guidelines, 2015. Collection method: clinical testing. Allele origin: germline. Observed: 1 variant allele.
Comment: BP4_moderate, PM2_supporting

CeGaT Center for Human Genetics Tuebingen
Classification: Uncertain significance. Last evaluated: 2025-03-01. Review status: criteria provided, single submitter. Criteria: CeGaT Center For Human Genetics Tuebingen Variant Classification Criteria Version 2. Collection method: clinical testing. Allele origin: germline. Affected: yes. Observed: 2 variant alleles.
Comment: TWNK: PM2, PP3

NM_021830.5(TWNK):c.404G>A (p.Gly135Glu)

Gene: TWNK (twinkle mtDNA helicase; plus strand). Cytogenetic location: 10q24.31.
Variant type: single nucleotide variant.
Coding change: c.404G>A on transcript NM_021830.5 (MANE Select); coding-DNA position 404, G replaced by A.
Protein change: p.Gly135Glu; replaces glycine 135 with glutamic acid.
Molecular consequence: missense variant. On other transcripts: non-coding transcript variant (4), intron variant (3).
Genome position (GRCh38, 1-based): chr10:100,988,614, G>A. VCF-style: chr10-100988614-G-A. GRCh37 (hg19) VCF-style: chr10-102748371-G-A.
Other names: p.Gly135Glu; c.404G>A, p.Gly135Glu (NM_001163812.2); c.-120+1001G>A (NM_001163814.2, NM_001163813.2); c.-58+1001G>A (NM_001368275.1); short protein forms G135E.
Identifiers: ClinVar variation 806558 (VCV000806558.46), dbSNP rs375005531, ClinGen allele CA5653061.
Genomic context (GRCh38, chr10:100,988,614, plus strand): 5'-CCAGCCTAGCAGAAGGGAGCTGGGAAGACTTCCAGGCCAGCGTGGAGGGGCGAGGGGATG[G>A]GGCCAGGGAGGGGTTTCTGCTTAGCAAGGCACCAGAATTTGAGGACAGCGAGGAGGTCCG-3'
Protein context (NP_068602.2, residues 125-145): FQASVEGRGD[Gly135Glu]AREGFLLSKA